The following is an entry in ClinVar:

NM_206933.4(USH2A):c.5519G>A (p.Gly1840Glu)

Genes: USH2A (usherin; minus strand), USH2A-AS2 (USH2A antisense RNA 2; plus strand). Cytogenetic location: 1q41.
Variant type: single nucleotide variant.
Coding change: c.5519G>A on transcript NM_206933.4 (MANE Select); coding-DNA position 5519, G replaced by A.
Protein change: p.Gly1840Glu; replaces glycine 1840 with glutamic acid.
Molecular consequence: missense variant.
Genome position (GRCh38, 1-based): chr1:216,078,142, C>T on the plus strand (G>A on the coding strand, the complement: USH2A is on the minus strand). VCF-style: chr1-216078142-C-T. GRCh37 (hg19) VCF-style: chr1-216251484-C-T.
Other names: short protein forms G1840E.
Identifiers: ClinVar variation 2105881 (VCV002105881.5), dbSNP rs1571941511, ClinGen allele CA344855817.

ClinVar aggregate classification (germline): Conflicting classifications of pathogenicity. Review status: criteria provided, conflicting classifications (1 of 4 stars). 2 submissions from 2 submitters: Likely pathogenic (1); Uncertain significance (1). Last evaluated 2026-03-04.

Submissions (2):

Women's Health and Genetics/Laboratory Corporation of America, LabCorp
Classification: Uncertain significance. Last evaluated: 2026-03-04. Review status: criteria provided, single submitter. Criteria: LabCorp Variant Classification Summary - May 2015. Collection method: clinical testing. Allele origin: germline.
Comment: Variant summary: USH2A c.5519G>A (p.Gly1840Glu) results in a non-conservative amino acid change in the encoded protein sequence. Algorithms developed to predict the effect of missense changes on protein structure and function all suggest that this variant is likely to be disruptive. The variant was absent in 250714 control chromosomes. The available data on variant occurrences in the general population are insufficient to allow any conclusion about variant significance. c.5519G>A has been observed in at least one individual affected with retinitis pigmentosa (example: Schlottmann_2023). These data do not allow any conclusion about variant significance. To our knowledge, no experimental evidence demonstrating an impact on protein function has been reported. The following publication has been ascertained in the context of this evaluation (PMID: 37217489). ClinVar contains an entry for this variant (Variation ID: 2105881). Based on the evidence outlined above, the variant was classified as uncertain significance.

Labcorp Genetics (formerly Invitae), Labcorp
Classification: Likely pathogenic. Last evaluated: 2022-12-29. Review status: criteria provided, single submitter. Criteria: Invitae Variant Classification Sherloc (09022015). Collection method: clinical testing. Allele origin: germline.
Comment: Advanced modeling of protein sequence and biophysical properties (such as structural, functional, and spatial information, amino acid conservation, physicochemical variation, residue mobility, and thermodynamic stability) performed at Invitae indicates that this missense variant is expected to disrupt USH2A protein function. This missense change has been observed in individual(s) with retinitis pigmentosa (Invitae). This variant is not present in population databases (gnomAD no frequency). This sequence change replaces glycine, which is neutral and non-polar, with glutamic acid, which is acidic and polar, at codon 1840 of the USH2A protein (p.Gly1840Glu). This variant disrupts the p.Gly1840 amino acid residue in USH2A. Other variant(s) that disrupt this residue have been determined to be pathogenic (PMID: 18452394, 29490346). This suggests that this residue is clinically significant, and that variants that disrupt this residue are likely to be disease-causing. In summary, the currently available evidence indicates that the variant is pathogenic, but additional data are needed to prove that conclusively. Therefore, this variant has been classified as Likely Pathogenic.

Literature cited by the submitters: PubMed 37217489 (cited by Women's Health and Genetics/Laboratory Corporation of America, LabCorp); PubMed 18452394 (cited by Labcorp Genetics (formerly Invitae), Labcorp); PubMed 29490346 (cited by Labcorp Genetics (formerly Invitae), Labcorp).